The following is an entry in ClinVar:

NM_012232.6(CAVIN1):c.*998G>A

Gene: CAVIN1 (caveolae associated protein 1; minus strand). Cytogenetic location: 17q21.2.
Variant type: single nucleotide variant.
Coding change: c.*998G>A on transcript NM_012232.6 (MANE Select); 998 bases downstream of the stop codon, G replaced by A.
Molecular consequence: 3 prime UTR variant.
Genome position (GRCh38, 1-based): chr17:42,403,689, C>T on the plus strand (G>A on the coding strand, the complement: CAVIN1 is on the minus strand). VCF-style: chr17-42403689-C-T. GRCh37 (hg19) VCF-style: chr17-40555707-C-T.
Identifiers: ClinVar variation 889074 (VCV000889074.4), dbSNP rs35725766, ClinGen allele CA290749302.
Genomic context (GRCh38, chr17:42,403,689, plus strand): 5'-TTTTTTTCCTTCTGTTGAGATGGAGTCTCACTCTGTCACCCAGGCTGGAGTGCAGTGTCG[C>T]GACCTTGGCTCACTGCAACCTCCACCTCCCAGGTTCAAGCAATTCTCCCCACCTCAGCCT-3'

ClinVar aggregate classification (germline): Benign (1 of 4 stars; one submission).

Conditions:
Congenital generalized lipodystrophy type 4. Also called: BERARDINELLI-SEIP CONGENITAL LIPODYSTROPHY, TYPE 4, WITH MUSCULAR DYSTROPHY. Identifiers: Orphanet 228429, MedGen C2750069, MONDO:0013225, OMIM 613327.

Allele frequency attached by ClinVar (database versions not stated): 1000 Genomes Project 0.00499; 1000 Genomes Project 30x 0.00656; gnomAD 0.00730 and 0.00751; TOPMed 0.00901.

Submission:

Illumina Laboratory Services, Illumina
Classification: Benign for Congenital generalized lipodystrophy type 4. Last evaluated: 2017-04-27. Review status: criteria provided, single submitter. Criteria: ICSL Variant Classification Criteria 13 December 2019. Collection method: clinical testing. Allele origin: germline.
Comment: This variant was observed as part of a predisposition screen in an ostensibly healthy population. A literature search was performed for the gene, cDNA change, and amino acid change (where applicable). No publications were found based on this search. Allele frequency data from public databases was too high to be consistent with this variant causing disease. Therefore, this variant is classified as benign.